The following is an entry in ClinVar:

ClinVar aggregate classification (germline): Uncertain significance. Review status: criteria provided, multiple submitters, no conflicts (2 of 4 stars). 2 submissions from 2 submitters: Uncertain significance (2). Last evaluated 2026-04-04.

Conditions:
Fucosidosis. Also called: ALPHA-L-FUCOSIDASE DEFICIENCY. Identifiers: Orphanet 349, MedGen C0016788, MONDO:0009254, OMIM 230000.

Submissions (2):

GeneDx
Classification: Uncertain significance. Last evaluated: 2026-04-04. Review status: criteria provided, single submitter. Criteria: GeneDx Variant Classification Process June 2021. Collection method: clinical testing. Allele origin: germline.
Comment: Not observed at significant frequency in large population cohorts (gnomAD); In silico analysis suggests that this missense variant does not alter protein structure/function; Has not been previously published as pathogenic or benign to our knowledge

Department of Pathology and Laboratory Medicine, Sinai Health System
Classification: Uncertain significance for Fucosidosis. Last evaluated: 2021-07-30. Review status: criteria provided, single submitter. Criteria: ACMG Guidelines, 2015. Collection method: research. Allele origin: germline.

NM_000147.5(FUCA1):c.253G>A (p.Gly85Arg)

Gene: FUCA1 (alpha-L-fucosidase 1; minus strand). Cytogenetic location: 1p36.11.
Variant type: single nucleotide variant.
Coding change: c.253G>A on transcript NM_000147.5 (MANE Select); coding-DNA position 253, G replaced by A.
Protein change: p.Gly85Arg; replaces glycine 85 with arginine.
Molecular consequence: missense variant. On other transcripts: non-coding transcript variant (4).
Genome position (GRCh38, 1-based): chr1:23,868,034, C>T on the plus strand (G>A on the coding strand, the complement: FUCA1 is on the minus strand). VCF-style: chr1-23868034-C-T. GRCh37 (hg19) VCF-style: chr1-24194524-C-T.
Other names: c.253G>A (NM_000147.4); short protein forms G85R.
Identifiers: ClinVar variation 3892685 (VCV003892685.2).